The following is an entry in ClinVar:

NM_016335.6(PRODH):c.223C>A (p.Leu75Met)

Gene: PRODH (proline dehydrogenase 1; minus strand). Cytogenetic location: 22q11.21.
Variant type: single nucleotide variant.
Coding change: c.223C>A on transcript NM_016335.6 (MANE Select); coding-DNA position 223, C replaced by A.
Protein change: p.Leu75Met; replaces leucine 75 with methionine.
Molecular consequence: missense variant. On other transcripts: intron variant (1).
Genome position (GRCh38, 1-based): chr22:18,936,065, G>T on the plus strand (C>A on the coding strand, the complement: PRODH is on the minus strand). VCF-style: chr22-18936065-G-T. GRCh37 (hg19) VCF-style: chr22-18923578-G-T.
Other names: c.-52+325C>A (NM_001195226.2); short protein forms L75M.
Identifiers: ClinVar variation 1052001 (VCV001052001.10), dbSNP rs1391433654, ClinGen allele CA410653757.

ClinVar aggregate classification (germline): Uncertain significance (1 of 4 stars; one submission).

Conditions:
Proline dehydrogenase deficiency (HYRPRO1). Also called: PROLINE OXIDASE DEFICIENCY; Hyperprolinemia type 1. Identifiers: Orphanet 419, MedGen C0268529, MONDO:0009400, OMIM 239500.

Submission:

Labcorp Genetics (formerly Invitae), Labcorp
Classification: Uncertain significance for Proline dehydrogenase deficiency. Last evaluated: 2022-10-17. Review status: criteria provided, single submitter. Criteria: Invitae Variant Classification Sherloc (09022015). Collection method: clinical testing. Allele origin: germline.
Comment: This sequence change replaces leucine, which is neutral and non-polar, with methionine, which is neutral and non-polar, at codon 75 of the PRODH protein (p.Leu75Met). This variant is not present in population databases (gnomAD no frequency). This variant has not been reported in the literature in individuals affected with PRODH-related conditions. ClinVar contains an entry for this variant (Variation ID: 1052001). Algorithms developed to predict the effect of missense changes on protein structure and function are either unavailable or do not agree on the potential impact of this missense change (SIFT: "Tolerated"; PolyPhen-2: "Possibly Damaging"; Align-GVGD: "Class C0"). In summary, the available evidence is currently insufficient to determine the role of this variant in disease. Therefore, it has been classified as a Variant of Uncertain Significance.